The following is an entry in ClinVar:

NM_000180.4(GUCY2D):c.3258C>G (p.Ile1086Met)

Gene: GUCY2D (guanylate cyclase 2D, retinal; plus strand). Cytogenetic location: 17p13.1.
Variant type: single nucleotide variant.
Coding change: c.3258C>G on transcript NM_000180.4 (MANE Select); coding-DNA position 3258, C replaced by G.
Protein change: p.Ile1086Met; replaces isoleucine 1086 with methionine.
Molecular consequence: missense variant.
Genome position (GRCh38, 1-based): chr17:8,016,476, C>G. VCF-style: chr17-8016476-C-G. GRCh37 (hg19) VCF-style: chr17-7919794-C-G.
Other names: c.3258C>G (NM_000180.3); short protein forms I1086M.
Identifiers: ClinVar variation 1961347 (VCV001961347.5), dbSNP rs368916122, ClinGen allele CA8366370.

ClinVar aggregate classification (germline): Uncertain significance. Review status: criteria provided, multiple submitters, no conflicts (2 of 4 stars). 4 submissions from 4 submitters: Uncertain significance (4). Last evaluated 2025-09-24.

Conditions:
Inborn genetic diseases. Identifiers: MedGen C0950123, MeSH D030342.
GUCY2D-related disorder. Also called: GUCY2D-related condition.
Leber congenital amaurosis 1 (LCA1). Also called: Congenital absence of the rods and cones; Leber's congenital tapetoretinal degeneration; Leber's congenital tapetoretinal dysplasia; AMAUROSIS CONGENITA OF LEBER I; RETINAL BLINDNESS, CONGENITAL. Identifiers: Orphanet 65, MedGen C2931258, MONDO:0008764, OMIM 204000.
Cone-rod dystrophy 6 (CORD6). Also called: RETINAL CONE DYSTROPHY 2; Cone dystrophy progressive. Identifiers: Orphanet 1872, MedGen C1866293, MONDO:0011143, OMIM 601777.

Allele frequency attached by ClinVar (database versions not stated): gnomAD exomes 0.00001; gnomAD 0.00005; TOPMed 0.00011; ExAC 0.00012; ESP Exome Variant Server 0.00016.
gnomAD v4.1: 19 of 1,579,226 alleles (0.0012%); highest among the groups gnomAD compares: African/African-American, 0.02%; no homozygotes.

Submissions (4):

Ambry Genetics
Classification: Uncertain significance for Inborn genetic diseases. Last evaluated: 2025-09-24. Review status: criteria provided, single submitter. Criteria: Ambry Variant Classification Scheme 2023. Collection method: clinical testing. Allele origin: germline.

PreventionGenetics, part of Exact Sciences
Classification: Uncertain significance for GUCY2D-related condition. Last evaluated: 2025-07-23. Review status: criteria provided, single submitter. Criteria: ACMG Guidelines, 2015. Collection method: clinical testing. Allele origin: germline.
Comment: The GUCY2D c.3258C>G variant is predicted to result in the amino acid substitution p.Ile1086Met. To our knowledge, this variant has not been reported in the literature. An alternate nucleotide change impacting this amino acid position (p.Ile1086Asn) has been reported in an individual with inherited retinal disease (Supplementary Table S1, Karali et al. 2022. PubMed ID: 36460718). This variant is reported in 0.0088% of alleles in individuals of African descent in gnomAD. At this time, the clinical significance of this variant is uncertain due to the absence of conclusive functional and genetic evidence.

Labcorp Genetics (formerly Invitae), Labcorp
Classification: Uncertain significance for Leber congenital amaurosis 1; Cone-rod dystrophy 6. Last evaluated: 2022-05-25. Review status: criteria provided, single submitter. Criteria: Invitae Variant Classification Sherloc (09022015). Collection method: clinical testing. Allele origin: germline.
Comment: This sequence change replaces isoleucine, which is neutral and non-polar, with methionine, which is neutral and non-polar, at codon 1086 of the GUCY2D protein (p.Ile1086Met). This variant is present in population databases (rs368916122, gnomAD 0.01%). This variant has not been reported in the literature in individuals affected with GUCY2D-related conditions. Algorithms developed to predict the effect of missense changes on protein structure and function are either unavailable or do not agree on the potential impact of this missense change (SIFT: "Deleterious"; PolyPhen-2: "Probably Damaging"; Align-GVGD: "Class C0"). In summary, the available evidence is currently insufficient to determine the role of this variant in disease. Therefore, it has been classified as a Variant of Uncertain Significance.

Blueprint Genetics
Classification: Uncertain significance. Last evaluated: 2021-09-16. Review status: criteria provided, single submitter. Criteria: ACMG Guidelines, 2015. Collection method: clinical testing. Allele origin: germline.